The following is an entry in ClinVar:

ClinVar aggregate classification (germline): Uncertain significance (1 of 4 stars; one submission).

Submission:

Labcorp Genetics (formerly Invitae), Labcorp
Classification: Uncertain significance. Last evaluated: 2025-08-04. Review status: criteria provided, single submitter. Criteria: Invitae Variant Classification Sherloc (09022015). Collection method: clinical testing. Allele origin: germline.
Comment: This sequence change replaces tyrosine, which is neutral and polar, with aspartic acid, which is acidic and polar, at codon 211 of the TFRC protein (p.Tyr211Asp). This variant is present in population databases (rs773961830, gnomAD 0.003%). This variant has not been reported in the literature in individuals affected with TFRC-related conditions. Invitae Evidence Modeling of protein sequence and biophysical properties (such as structural, functional, and spatial information, amino acid conservation, physicochemical variation, residue mobility, and thermodynamic stability) has been performed for this missense variant. However, the output from this modeling did not meet the statistical confidence thresholds required to predict the impact of this variant on TFRC protein function. In summary, the available evidence is currently insufficient to determine the role of this variant in disease. Therefore, it has been classified as a Variant of Uncertain Significance.

NM_001128148.3(TFRC):c.631T>G (p.Tyr211Asp)

Gene: TFRC (transferrin receptor; minus strand). Cytogenetic location: 3q29.
Variant type: single nucleotide variant.
Coding change: c.631T>G on transcript NM_001128148.3 (MANE Select); coding-DNA position 631, T replaced by G.
Protein change: p.Tyr211Asp; replaces tyrosine 211 with aspartic acid.
Molecular consequence: missense variant. On other transcripts: 5 prime UTR variant (1).
Genome position (GRCh38, 1-based): chr3:196,071,452, A>C on the plus strand (T>G on the coding strand, the complement: TFRC is on the minus strand). VCF-style: chr3-196071452-A-C. GRCh37 (hg19) VCF-style: chr3-195798323-A-C.
Other names: c.388T>G, p.Tyr130Asp (NM_001313965.2); c.-216T>G (NM_001313966.2); c.631T>G, p.Tyr211Asp (NM_003234.4); short protein forms Y130D, Y211D.
Identifiers: ClinVar variation 4745528 (VCV004745528.1).
Genomic context (GRCh38, chr3:196,071,452, plus strand): 5'-TTACAGTAACTGTTGCAGCCTTACTATACGCCACATAACCCCCAGGATTCTCCACCAGGT[A>C]AACAAGTCTACCGTTCTTATCAACTATGATCACCGAGTTTTGAGCGCTGTTAAAAAGATT-3'
Protein context (NP_001121620.1, residues 201-221): IIVDKNGRLV[Tyr211Asp]LVENPGGYVA